The following is an entry in ClinVar:

NM_001330260.2(SCN8A):c.4512T>C (p.Ile1504=)

Gene: SCN8A (sodium voltage-gated channel alpha subunit 8; plus strand). Cytogenetic location: 12q13.13.
Variant type: single nucleotide variant.
Coding change: c.4512T>C on transcript NM_001330260.2 (MANE Select); coding-DNA position 4512, T replaced by C.
Protein change: p.Ile1504=; no amino-acid change (isoleucine 1504 retained).
Molecular consequence: synonymous variant.
Genome position (GRCh38, 1-based): chr12:51,790,490, T>C. VCF-style: chr12-51790490-T-C. GRCh37 (hg19) VCF-style: chr12-52184274-T-C.
Other names: c.4512T>C, p.Ile1504= (NM_014191.4); c.4389T>C, p.Ile1463= (NM_001177984.3, NM_001369788.1).
Identifiers: ClinVar variation 3342155 (VCV003342155.16).
Genomic context (GRCh38, chr12:51,790,490, plus strand): 5'-ACAGAAGAAGTACTACAATGCCATGAAAAAGCTGGGCTCAAAGAAGCCACAGAAACCTAT[T>C]CCCCGCCCCTTGGTAAGTGCATTGTGCAGGCTGAGGCCTTGGTGAGAACCCATATAGGAA-3'
Protein context (NP_001317189.1, residues 1494-1514): KLGSKKPQKP[Ile1504=]PRPLNKIQGI

ClinVar aggregate classification (germline): Likely benign (1 of 4 stars; one submission).

Submission:

CeGaT Center for Human Genetics Tuebingen
Classification: Likely benign. Last evaluated: 2024-09-01. Review status: criteria provided, single submitter. Criteria: CeGaT Center For Human Genetics Tuebingen Variant Classification Criteria Version 2. Collection method: clinical testing. Allele origin: germline. Affected: yes. Observed: 1 variant allele.
Comment: SCN8A: PM2:Supporting, BP4, BP7